The following is an entry in ClinVar:

ClinVar aggregate classification (germline): Uncertain significance (1 of 4 stars; one submission).

gnomAD v4.1: 2 of 1,613,926 alleles (0.00012%); highest among the groups gnomAD compares: Non-Finnish European, 0.000085%; no homozygotes.

Submission:

GeneDx
Classification: Uncertain significance. Last evaluated: 2019-09-17. Review status: criteria provided, single submitter. Criteria: GeneDx Variant Classification Process June 2021. Collection method: clinical testing. Allele origin: germline. Affected: yes.
Comment: Not observed in large population cohorts (Lek et al., 2016); In silico analysis, which includes protein predictors and evolutionary conservation, supports that this variant does not alter protein structure/function; Has not been previously published as pathogenic or benign to our knowledge

NM_023110.3(FGFR1):c.148C>G (p.Leu50Val)

Gene: FGFR1 (fibroblast growth factor receptor 1; minus strand). Cytogenetic location: 8p11.23.
Variant type: single nucleotide variant.
Coding change: c.148C>G on transcript NM_023110.3 (MANE Select); coding-DNA position 148, C replaced by G.
Protein change: p.Leu50Val; replaces leucine 50 with valine.
Molecular consequence: missense variant. On other transcripts: intron variant (5).
Genome position (GRCh38, 1-based): chr8:38,429,892, G>C on the plus strand (C>G on the coding strand, the complement: FGFR1 is on the minus strand). VCF-style: chr8-38429892-G-C. GRCh37 (hg19) VCF-style: chr8-38287410-G-C.
Other names: c.148C>G, p.Leu50Val (NM_001174063.2, NM_001174065.2, NM_001354367.2 and 2 more transcripts); c.124C>G, p.Leu42Val (NM_001174064.2); c.247C>G, p.Leu83Val (NM_001174067.2); c.92-1457C>G (NM_001354368.2, NM_001354370.2, NM_023106.3 and 2 more transcripts); short protein forms L42V, L50V, L83V.
Identifiers: ClinVar variation 1303842 (VCV001303842.2), dbSNP rs1822318253, ClinGen allele CA370736550.